The following is an entry in ClinVar:

NM_032608.7(MYO18B):c.6713T>G (p.Leu2238Arg)

Gene: MYO18B (myosin XVIIIB; plus strand). Cytogenetic location: 22q12.1.
Variant type: single nucleotide variant.
Coding change: c.6713T>G on transcript NM_032608.7 (MANE Select); coding-DNA position 6713, T replaced by G.
Protein change: p.Leu2238Arg; replaces leucine 2238 with arginine.
Molecular consequence: missense variant.
Genome position (GRCh38, 1-based): chr22:26,026,687, T>G. VCF-style: chr22-26026687-T-G. GRCh37 (hg19) VCF-style: chr22-26422653-T-G.
Other names: c.6716T>G, p.Leu2239Arg (NM_001318245.2); short protein forms L2238R, L2239R.
Identifiers: ClinVar variation 2110417 (VCV002110417.4), dbSNP rs2518430167, ClinGen allele CA411010744.
Genomic context (GRCh38, chr22:26,026,687, plus strand): 5'-CAGAGAGATTAGAACCTGCTTCCTCTCCCCTGGCTTCTCGGAGTACAAATACATCCCCGC[T>G]GTCGAGGGAAAAGCTGCCCAGTCCTTCAGCGGCCCTCTCGGAGTTCGTGGAAGGGCTCCG-3'
Protein context (NP_115997.5, residues 2228-2248): LASRSTNTSP[Leu2238Arg]SREKLPSPSA

ClinVar aggregate classification (germline): Uncertain significance (1 of 4 stars; one submission).

Submission:

Labcorp Genetics (formerly Invitae), Labcorp
Classification: Uncertain significance. Last evaluated: 2022-03-12. Review status: criteria provided, single submitter. Criteria: Invitae Variant Classification Sherloc (09022015). Collection method: clinical testing. Allele origin: germline.
Comment: Algorithms developed to predict the effect of missense changes on protein structure and function output the following: SIFT: "Not Available"; PolyPhen-2: "Benign"; Align-GVGD: "Not Available". The arginine amino acid residue is found in multiple mammalian species, which suggests that this missense change does not adversely affect protein function. In summary, the available evidence is currently insufficient to determine the role of this variant in disease. Therefore, it has been classified as a Variant of Uncertain Significance. This variant has not been reported in the literature in individuals affected with MYO18B-related conditions. This variant is not present in population databases (gnomAD no frequency). This sequence change replaces leucine, which is neutral and non-polar, with arginine, which is basic and polar, at codon 2238 of the MYO18B protein (p.Leu2238Arg).